The following is an entry in ClinVar:

ClinVar aggregate classification (germline): Uncertain significance. Review status: criteria provided, multiple submitters, no conflicts (2 of 4 stars). 3 submissions from 3 submitters: Uncertain significance (3). Last evaluated 2022-12-22.

Conditions:
Methylmalonate semialdehyde dehydrogenase deficiency (MMSDHD). Also called: MMSDH DEFICIENCY. Identifiers: Orphanet 289307, MedGen C3279840, MONDO:0013579, OMIM 614105.
Inborn genetic diseases. Identifiers: MedGen C0950123, MeSH D030342.

Allele frequency attached by ClinVar (database versions not stated): gnomAD 0.00001; gnomAD exomes 0.00001 and 0.00002; ExAC 0.00002; TOPMed 0.00003.
gnomAD v4.1: 12 of 1,613,936 alleles (0.00074%); highest among the groups gnomAD compares: Admixed American, 0.013%; no homozygotes.

Submissions (3):

Laboratorio de Genetica e Diagnostico Molecular, Hospital Israelita Albert Einstein
Classification: Uncertain significance for Methylmalonate semialdehyde dehydrogenase deficiency. Last evaluated: 2022-12-22. Review status: criteria provided, single submitter. Criteria: ACMG Guidelines, 2015. Collection method: clinical testing. Allele origin: germline. Affected: yes.
Comment: ACMG classification criteria: PM2 supporting

Labcorp Genetics (formerly Invitae), Labcorp
Classification: Uncertain significance. Last evaluated: 2022-07-05. Review status: criteria provided, single submitter. Criteria: Invitae Variant Classification Sherloc (09022015). Collection method: clinical testing. Allele origin: germline.
Comment: This sequence change replaces histidine, which is basic and polar, with arginine, which is basic and polar, at codon 276 of the ALDH6A1 protein (p.His276Arg). This variant is present in population databases (rs779188591, gnomAD 0.02%). This variant has not been reported in the literature in individuals affected with ALDH6A1-related conditions. ClinVar contains an entry for this variant (Variation ID: 1009082). Advanced modeling of protein sequence and biophysical properties (such as structural, functional, and spatial information, amino acid conservation, physicochemical variation, residue mobility, and thermodynamic stability) performed at Invitae indicates that this missense variant is not expected to disrupt ALDH6A1 protein function. In summary, the available evidence is currently insufficient to determine the role of this variant in disease. Therefore, it has been classified as a Variant of Uncertain Significance.

Ambry Genetics
Classification: Uncertain significance for Inborn genetic diseases. Last evaluated: 2021-04-27. Review status: criteria provided, single submitter. Criteria: Ambry Variant Classification Scheme 2023. Collection method: clinical testing. Allele origin: germline.

NM_005589.4(ALDH6A1):c.827A>G (p.His276Arg)

Genes: ALDH6A1 (aldehyde dehydrogenase 6 family member A1; minus strand), BBOF1 (basal body orientation factor 1; plus strand). Cytogenetic location: 14q24.3.
Variant type: single nucleotide variant.
Coding change: c.827A>G on transcript NM_005589.4 (MANE Select); coding-DNA position 827, A replaced by G.
Protein change: p.His276Arg; replaces histidine 276 with arginine.
Molecular consequence: missense variant.
Genome position (GRCh38, 1-based): chr14:74,068,885, T>C on the plus strand (A>G on the coding strand, the complement: ALDH6A1 is on the minus strand). VCF-style: chr14-74068885-T-C. GRCh37 (hg19) VCF-style: chr14-74535588-T-C.
Other names: c.788A>G, p.His263Arg (NM_001278593.2); c.365A>G, p.His122Arg (NM_001278594.2); c.827A>G (NM_005589.2); short protein forms H122R, H263R, H276R.
Identifiers: ClinVar variation 1009082 (VCV001009082.38), dbSNP rs779188591, ClinGen allele CA7265762.